The following is an entry in ClinVar:

NM_001375524.1(TRRAP):c.10904C>T (p.Thr3635Met)

Gene: TRRAP (transformation/transcription domain associated protein; plus strand). Cytogenetic location: 7q22.1.
Variant type: single nucleotide variant.
Coding change: c.10904C>T on transcript NM_001375524.1 (MANE Select); coding-DNA position 10904, C replaced by T.
Protein change: p.Thr3635Met; replaces threonine 3635 with methionine.
Molecular consequence: missense variant.
Genome position (GRCh38, 1-based): chr7:99,008,527, C>T. VCF-style: chr7-99008527-C-T. GRCh37 (hg19) VCF-style: chr7-98606150-C-T.
Other names: c.10862C>T, p.Thr3621Met (NM_001244580.2); c.10775C>T, p.Thr3592Met (NM_003496.4); short protein forms T3621M, T3635M, T3592M.
Identifiers: ClinVar variation 3655084 (VCV003655084.2).

ClinVar aggregate classification (germline): Uncertain significance (1 of 4 stars; one submission).

gnomAD v4.1: 50 of 1,613,802 alleles (0.0031%); highest among the groups gnomAD compares: East Asian, 0.056%; no homozygotes.

Submission:

Labcorp Genetics (formerly Invitae), Labcorp
Classification: Uncertain significance. Last evaluated: 2024-09-29. Review status: criteria provided, single submitter. Criteria: Invitae Variant Classification Sherloc (09022015). Collection method: clinical testing. Allele origin: germline.
Comment: This sequence change replaces threonine, which is neutral and polar, with methionine, which is neutral and non-polar, at codon 3592 of the TRRAP protein (p.Thr3592Met). This variant is present in population databases (rs369585892, gnomAD 0.05%). This variant has not been reported in the literature in individuals affected with TRRAP-related conditions. Invitae Evidence Modeling of protein sequence and biophysical properties (such as structural, functional, and spatial information, amino acid conservation, physicochemical variation, residue mobility, and thermodynamic stability) indicates that this missense variant is not expected to disrupt TRRAP protein function with a negative predictive value of 80%. In summary, the available evidence is currently insufficient to determine the role of this variant in disease. Therefore, it has been classified as a Variant of Uncertain Significance.